The following is an entry in ClinVar:

NM_001972.4(ELANE):c.768C>A (p.His256Gln)

Gene: ELANE (elastase, neutrophil expressed; plus strand). Cytogenetic location: 19p13.3.
Variant type: single nucleotide variant.
Coding change: c.768C>A on transcript NM_001972.4 (MANE Select); coding-DNA position 768, C replaced by A.
Protein change: p.His256Gln; replaces histidine 256 with glutamine.
Molecular consequence: missense variant.
Genome position (GRCh38, 1-based): chr19:856,128, C>A. VCF-style: chr19-856128-C-A. GRCh37 (hg19) VCF-style: chr19-856128-C-A.
Other names: short protein forms H256Q.
Identifiers: ClinVar variation 3507771 (VCV003507771.2).
Genomic context (GRCh38, chr19:856,128, plus strand): 5'-ACAGTTTGTAAACTGGATCGACTCTATCATCCAACGCTCCGAGGACAACCCCTGTCCCCA[C>A]CCCCGGGACCCGGACCCGGCCAGCAGGACCCACTGAGAAGGGCTGCCCGGGTCACCTCAG-3'
Protein context (NP_001963.1, residues 246-266): IQRSEDNPCP[His256Gln]PRDPDPASRT

ClinVar aggregate classification (germline): Uncertain significance. Review status: criteria provided, multiple submitters, no conflicts (2 of 4 stars). 2 submissions from 2 submitters: Uncertain significance (2). Last evaluated 2025-11-17.

Conditions:
Inborn genetic diseases. Identifiers: MedGen C0950123, MeSH D030342.
Neutropenia, severe congenital, 1, autosomal dominant. Identifiers: MedGen C1859966, MONDO:0042490, OMIM 202700.
Cyclical neutropenia. Also called: Cyclic hematopoiesis; Cyclic Neutropenia. Identifiers: Orphanet 2686, MedGen C0221023, MONDO:0008090, OMIM 162800, HP:0040289. Disease mechanism: loss of function.

gnomAD v4.1: 6 of 1,612,902 alleles (0.00037%); highest among the groups gnomAD compares: African/African-American, 0.0067%; no homozygotes.

Submissions (2):

Labcorp Genetics (formerly Invitae), Labcorp
Classification: Uncertain significance for Neutropenia, severe congenital, 1, autosomal dominant; Cyclical neutropenia. Last evaluated: 2025-11-17. Review status: criteria provided, single submitter. Criteria: Invitae Variant Classification Sherloc (09022015). Collection method: clinical testing. Allele origin: germline.
Comment: This sequence change replaces histidine, which is basic and polar, with glutamine, which is neutral and polar, at codon 256 of the ELANE protein (p.His256Gln). This variant is present in population databases (no rsID available, gnomAD 0.008%). This variant has not been reported in the literature in individuals affected with ELANE-related conditions. ClinVar contains an entry for this variant (Variation ID: 3507771). An algorithm developed to predict the effect of missense changes on protein structure and function outputs the following: PolyPhen-2: "Benign". The glutamine amino acid residue is found in multiple mammalian species, which suggests that this missense change does not adversely affect protein function. In summary, the available evidence is currently insufficient to determine the role of this variant in disease. Therefore, it has been classified as a Variant of Uncertain Significance.

Ambry Genetics
Classification: Uncertain significance for Inborn genetic diseases. Last evaluated: 2024-12-08. Review status: criteria provided, single submitter. Criteria: Ambry Variant Classification Scheme 2023. Collection method: clinical testing. Allele origin: germline.
Comment: The p.H256Q variant (also known as c.768C>A), located in coding exon 5 of the ELANE gene, results from a C to A substitution at nucleotide position 768. The histidine at codon 256 is replaced by glutamine, an amino acid with highly similar properties. This amino acid position is conserved. In addition, this alteration is predicted to be tolerated by in silico analysis. Based on the available evidence, the clinical significance of this variant remains unclear.